The following is an entry in ClinVar:

ClinVar aggregate classification (germline): Conflicting classifications of pathogenicity. Review status: criteria provided, conflicting classifications (1 of 4 stars). 4 submissions from 4 submitters: Uncertain significance (3); Likely benign (1). Last evaluated 2025-09-01.

Conditions:
Hereditary cancer-predisposing syndrome. Also called: Tumor predisposition; Neoplastic Syndromes, Hereditary; Hereditary neoplastic syndrome; Hereditary Cancer Syndrome. Identifiers: Orphanet 140162, MedGen C0027672, MeSH D009386, MONDO:0015356.
Hereditary breast ovarian cancer syndrome. Also called: Hereditary breast and ovarian cancer; Hereditary breast and ovarian cancer syndrome (HBOC); Breast and ovarian cancer; Hereditary breast and ovarian cancer syndrome; BRCA1- and BRCA2-Associated Hereditary Breast and Ovarian Cancer; Hereditary breast and/or ovarian cancer syndrome. Identifiers: Orphanet 145, MedGen C0677776, MeSH D061325, MONDO:0003582. Disease mechanism: loss of function.

Submissions (4):

Ambry Genetics
Classification: Uncertain significance for Hereditary cancer-predisposing syndrome. Last evaluated: 2025-09-01. Review status: criteria provided, single submitter. Criteria: Ambry Variant Classification Scheme 2023. Collection method: clinical testing. Allele origin: germline.
Comment: The p.V387I variant (also known as c.1159G>A), located in coding exon 9 of the BRCA2 gene, results from a G to A substitution at nucleotide position 1159. The valine at codon 387 is replaced by isoleucine, an amino acid with highly similar properties. This amino acid position is not well conserved in available vertebrate species. In addition, this alteration is predicted to be tolerated by in silico analysis. Since supporting evidence is limited at this time, the clinical significance of this alteration remains unclear.

Labcorp Genetics (formerly Invitae), Labcorp
Classification: Uncertain significance for Hereditary breast ovarian cancer syndrome. Last evaluated: 2025-03-02. Review status: criteria provided, single submitter. Criteria: Invitae Variant Classification Sherloc (09022015). Collection method: clinical testing. Allele origin: germline.
Comment: This sequence change replaces valine, which is neutral and non-polar, with isoleucine, which is neutral and non-polar, at codon 387 of the BRCA2 protein (p.Val387Ile). This variant is not present in population databases (gnomAD no frequency). This variant has not been reported in the literature in individuals affected with BRCA2-related conditions. ClinVar contains an entry for this variant (Variation ID: 631168). Invitae Evidence Modeling of protein sequence and biophysical properties (such as structural, functional, and spatial information, amino acid conservation, physicochemical variation, residue mobility, and thermodynamic stability) indicates that this missense variant is not expected to disrupt BRCA2 protein function with a negative predictive value of 95%. In summary, the available evidence is currently insufficient to determine the role of this variant in disease. Therefore, it has been classified as a Variant of Uncertain Significance.

Color Diagnostics, LLC DBA Color Health
Classification: Uncertain significance for Hereditary cancer-predisposing syndrome. Last evaluated: 2023-12-05. Review status: criteria provided, single submitter. Criteria: ACMG Guidelines, 2015. Collection method: clinical testing. Allele origin: germline.
Comment: This missense variant replaces valine with isoleucine at codon 387 of the BRCA2 protein. Computational prediction suggests that this variant may not impact protein structure and function (internally defined REVEL score threshold <= 0.5, PMID: 27666373). To our knowledge, functional studies have not been reported for this variant. This variant has not been reported in individuals affected with BRCA2-related disorders in the literature. This variant has not been identified in the general population by the Genome Aggregation Database (gnomAD). The available evidence is insufficient to determine the role of this variant in disease conclusively. Therefore, this variant is classified as a Variant of Uncertain Significance.

University of Washington Department of Laboratory Medicine, University of Washington
Classification: Likely benign for Hereditary cancer-predisposing syndrome. Last evaluated: 2023-03-23. Review status: criteria provided, single submitter. Criteria: Dines et al. (Genet Med. 2020). Collection method: curation. Allele origin: germline.
Comment: Missense variant in a coldspot region where missense variants are very unlikely to be pathogenic (PMID:31911673).

BRCA2 exon 10 coldspot. Reclassification based on statistical prior probability.

NM_000059.4(BRCA2):c.1159G>A (p.Val387Ile)

Gene: BRCA2 (BRCA2 DNA repair associated; plus strand). Cytogenetic location: 13q13.1.
Variant type: single nucleotide variant.
Coding change: c.1159G>A on transcript NM_000059.4 (MANE Select); coding-DNA position 1159, G replaced by A.
Protein change: p.Val387Ile; replaces valine 387 with isoleucine.
Molecular consequence: missense variant.
Genome position (GRCh38, 1-based): chr13:32,332,637, G>A. VCF-style: chr13-32332637-G-A. GRCh37 (hg19) VCF-style: chr13-32906774-G-A.
Other names: short protein forms V387I.
Identifiers: ClinVar variation 631168 (VCV000631168.15), dbSNP rs869320791, ClinGen allele CA387761909.